The following is an entry in ClinVar:

NM_005609.4(PYGM):c.1463C>T (p.Thr488Ile)

Gene: PYGM (glycogen phosphorylase, muscle associated; minus strand). Cytogenetic location: 11q13.1.
Variant type: single nucleotide variant.
Coding change: c.1463C>T on transcript NM_005609.4 (MANE Select); coding-DNA position 1463, C replaced by T.
Protein change: p.Thr488Ile; replaces threonine 488 with isoleucine.
Molecular consequence: missense variant.
Genome position (GRCh38, 1-based): chr11:64,753,128, G>A on the plus strand (C>T on the coding strand, the complement: PYGM is on the minus strand). VCF-style: chr11-64753128-G-A. GRCh37 (hg19) VCF-style: chr11-64520600-G-A.
Other names: c.1463C>T (NM_005609.3); c.1199C>T, p.Thr400Ile (NM_001164716.1); short protein forms T400I, T488I.
Identifiers: ClinVar variation 1209782 (VCV001209782.4), dbSNP rs1555134900, ClinGen allele CA381175079.

ClinVar aggregate classification (germline): Uncertain significance. Review status: criteria provided, multiple submitters, no conflicts (2 of 4 stars). 2 submissions from 2 submitters: Uncertain significance (2). Last evaluated 2023-08-01.

Conditions:
Glycogen storage disease, type V (GSD5). Also called: MCARDLE DISEASE; MUSCLE GLYCOGEN PHOSPHORYLASE DEFICIENCY; MYOPHOSPHORYLASE DEFICIENCY; McArdle type glycogen storage disease; PYGM DEFICIENCY. Identifiers: Orphanet 368, MedGen C0017924, MONDO:0009293, OMIM 232600.

Submissions (2):

Women's Health and Genetics/Laboratory Corporation of America, LabCorp
Classification: Uncertain significance. Last evaluated: 2023-08-01. Review status: criteria provided, single submitter. Criteria: LabCorp Variant Classification Summary - May 2015. Collection method: clinical testing. Allele origin: germline.
Comment: Variant summary: PYGM c.1463C>T (p.Thr488Ile) results in a non-conservative amino acid change in the encoded protein sequence. Five of five in-silico tools predict a damaging effect of the variant on protein function. The variant was absent in 251482 control chromosomes. The available data on variant occurrences in the general population are insufficient to allow any conclusion about variant significance. c.1463C>T has been reported in the literature in at least one compund heterozygous individual affected with Glycogen Storage Disease, Type V (e.g., Aquaron_2007). To our knowledge, no experimental evidence demonstrating an impact on protein function has been reported. The following publication have been ascertained in the context of this evaluation (PMID: 17324573). One submitter has cited clinical-significance assessments for this variant to ClinVar after 2014 and has classified the variant as uncertain significance. Based on the evidence outlined above, the variant was classified as uncertain significance.

Genome-Nilou Lab
Classification: Uncertain significance for Glycogen storage disease, type V. Last evaluated: 2021-07-22. Review status: criteria provided, single submitter. Criteria: ACMG Guidelines, 2015. Collection method: clinical testing. Allele origin: germline. Affected: no.

Literature cited by the submitters: PubMed 17324573 (cited by Women's Health and Genetics/Laboratory Corporation of America, LabCorp).